The following is an entry in ClinVar:

NM_182914.3(SYNE2):c.20061+4C>T

Gene: SYNE2 (spectrin repeat containing nuclear envelope protein 2; plus strand). Cytogenetic location: 14q23.2.
Variant type: single nucleotide variant.
Coding change: c.20061+4C>T on transcript NM_182914.3 (MANE Select); 4 bases into the intron after coding-DNA position 20061, C replaced by T.
Molecular consequence: intron variant.
Genome position (GRCh38, 1-based): chr14:64,220,641, C>T. VCF-style: chr14-64220641-C-T. GRCh37 (hg19) VCF-style: chr14-64687359-C-T.
Other names: c.19992+4C>T (NM_015180.6); c.963+4C>T (NM_182913.4); c.585+4C>T (NM_182910.2).
Identifiers: ClinVar variation 538360 (VCV000538360.17), dbSNP rs373128678, ClinGen allele CA7224676.

ClinVar aggregate classification (germline): Benign/Likely benign. Review status: criteria provided, multiple submitters, no conflicts (2 of 4 stars). 4 submissions from 4 submitters: Benign (1); Likely benign (3). Last evaluated 2026-01-27.

Conditions:
Emery-Dreifuss muscular dystrophy 5, autosomal dominant (EDMD5). Also called: EMERY-DREIFUSS MUSCULAR DYSTROPHY 5. Identifiers: Orphanet 261, MedGen C2751805, MONDO:0013072, OMIM 612999.

Allele frequency attached by ClinVar (database versions not stated): 1000 Genomes Project 30x 0.00016; ExAC 0.00016; 1000 Genomes Project 0.00020; gnomAD exomes 0.00029; ESP Exome Variant Server 0.00031; TOPMed 0.00034; gnomAD 0.00046.
gnomAD v4.1: 313 of 1,613,568 alleles (0.019%); highest among the groups gnomAD compares: Middle Eastern, 0.39%; no homozygotes.

Submissions (4):

Labcorp Genetics (formerly Invitae), Labcorp
Classification: Likely benign for Emery-Dreifuss muscular dystrophy 5, autosomal dominant. Last evaluated: 2026-01-27. Review status: criteria provided, single submitter. Criteria: Invitae Variant Classification Sherloc (09022015). Collection method: clinical testing. Allele origin: germline.

Blueprint Genetics
Classification: Likely benign. Last evaluated: 2024-11-04. Review status: criteria provided, single submitter. Criteria: ACMG Guidelines, 2015. Collection method: clinical testing. Allele origin: germline.

Illumina Laboratory Services, Illumina
Classification: Benign for Emery-Dreifuss muscular dystrophy 5, autosomal dominant. Last evaluated: 2018-01-13. Review status: criteria provided, single submitter. Criteria: ICSL Variant Classification Criteria 13 December 2019. Collection method: clinical testing. Allele origin: germline.
Comment: This variant was observed in the ICSL laboratory as part of a predisposition screen in an ostensibly healthy population. It had not been previously curated by ICSL or reported in the Human Gene Mutation Database (HGMD: prior to June 1st, 2018), and was therefore a candidate for classification through an automated scoring system. Utilizing variant allele frequency, disease prevalence and penetrance estimates, and inheritance mode, an automated score was calculated to assess if this variant is too frequent to cause the disease. Based on the score and internal cut-off values, a variant classified as benign is not then subjected to further curation. The score for this variant resulted in a classification of benign for this disease.

Breakthrough Genomics
Classification: Likely benign. Review status: criteria provided, single submitter. Criteria: ACMG Guidelines, 2015. Collection method: not provided. Allele origin: germline. Inheritance: Autosomal dominant inheritance. Affected: yes.